The following is an entry in ClinVar:

ClinVar aggregate classification (germline): Uncertain significance (1 of 4 stars; one submission).

Submission:

GeneDx
Classification: Uncertain significance. Last evaluated: 2022-11-18. Review status: criteria provided, single submitter. Criteria: GeneDx Variant Classification Process June 2021. Collection method: clinical testing. Allele origin: germline. Affected: yes.
Comment: Not observed at significant frequency in large population cohorts (gnomAD); In silico analysis supports that this missense variant does not alter protein structure/function; Has not been previously published as pathogenic or benign to our knowledge

NM_017635.5(KMT5B):c.2003G>C (p.Cys668Ser)

Gene: KMT5B (lysine methyltransferase 5B; minus strand). Cytogenetic location: 11q13.2.
Variant type: single nucleotide variant.
Coding change: c.2003G>C on transcript NM_017635.5 (MANE Select); coding-DNA position 2003, G replaced by C.
Protein change: p.Cys668Ser; replaces cysteine 668 with serine.
Molecular consequence: missense variant.
Genome position (GRCh38, 1-based): chr11:68,158,343, C>G on the plus strand (G>C on the coding strand, the complement: KMT5B is on the minus strand). VCF-style: chr11-68158343-C-G. GRCh37 (hg19) VCF-style: chr11-67925810-C-G.
Other names: c.1487G>C, p.Cys496Ser (NM_001300907.1, NM_001369428.1, NM_001369429.1 and 4 more transcripts); c.1283G>C, p.Cys428Ser (NM_001300908.2); c.2003G>C, p.Cys668Ser (NM_001369426.1); short protein forms C428S, C496S, C668S.
Identifiers: ClinVar variation 2502749 (VCV002502749.1), dbSNP rs754307757, ClinGen allele CA381590723.